The following is an entry in ClinVar:

ClinVar aggregate classification (germline): Uncertain significance (1 of 4 stars; one submission).

gnomAD v4.1: 69 of 1,613,032 alleles (0.0043%); highest among the groups gnomAD compares: Non-Finnish European, 0.0053%; no homozygotes.

Submission:

CeGaT Center for Human Genetics Tuebingen
Classification: Uncertain significance. Last evaluated: 2026-03-01. Review status: criteria provided, single submitter. Criteria: CeGaT Center For Human Genetics Tuebingen Variant Classification Criteria Version 2. Collection method: clinical testing. Allele origin: germline. Affected: yes. Observed: 3 variant alleles.
Comment: NEK9: PM2, PM3:Supporting, PP3

NM_033116.6(NEK9):c.220-3T>G

Gene: NEK9 (NIMA related kinase 9; minus strand). Cytogenetic location: 14q24.3.
Variant type: single nucleotide variant.
Coding change: c.220-3T>G on transcript NM_033116.6 (MANE Select); 3 bases into the intron before coding-DNA position 220, T replaced by G.
Molecular consequence: intron variant.
Genome position (GRCh38, 1-based): chr14:75,124,226, A>C on the plus strand (T>G on the coding strand, the complement: NEK9 is on the minus strand). VCF-style: chr14-75124226-A-C. GRCh37 (hg19) VCF-style: chr14-75590929-A-C.
Other names: c.-135-3T>G (NM_001329238.2); c.220-3T>G (NM_001329237.2).
Identifiers: ClinVar variation 4681705 (VCV004681705.5).
Genomic context (GRCh38, chr14:75,124,226, plus strand): 5'-GTTCCTTCTCAGACAGCCGGGTCAAATCGACTTCCTTCCACACAACCAGTGAGTCATCCT[A>C]AACACAGTAACAGAGGTATCGTGCTTTTCCTCTTGCCTGGCAGCAAATGAATCCACACCT-3'